The following is an entry in ClinVar:

NM_001123385.2(BCOR):c.3784G>T (p.Ala1262Ser)

Gene: BCOR (BCL6 corepressor; minus strand). Cytogenetic location: Xp11.4.
Variant type: single nucleotide variant.
Coding change: c.3784G>T on transcript NM_001123385.2 (MANE Select); coding-DNA position 3784, G replaced by T.
Protein change: p.Ala1262Ser; replaces alanine 1262 with serine.
Molecular consequence: missense variant.
Genome position (GRCh38, 1-based): chrX:40,063,671, C>A on the plus strand (G>T on the coding strand, the complement: BCOR is on the minus strand). VCF-style: chrX-40063671-C-A. GRCh37 (hg19) VCF-style: chrX-39922924-C-A.
Other names: c.3682G>T, p.Ala1228Ser (NM_001123383.2, NM_017745.6); c.3628G>T, p.Ala1210Ser (NM_001123384.2); short protein forms A1210S, A1228S, A1262S.
Identifiers: ClinVar variation 2439493 (VCV002439493.8), dbSNP rs200063877, ClinGen allele CA10386564.

ClinVar aggregate classification (germline): Uncertain significance. Review status: criteria provided, multiple submitters, no conflicts (2 of 4 stars). 3 submissions from 3 submitters: Uncertain significance (2). 1 of the submissions does not count toward it. Last evaluated 2024-01-05.

Conditions:
BCOR-related disorder. Also called: BCOR-related disorders; BCOR-related condition.
Oculofaciocardiodental syndrome (MCOPS2). Identifiers: Orphanet 2712, MedGen C1846265, MONDO:0010261, OMIM 300166.

Allele frequency attached by ClinVar (database versions not stated): ExAC 0.00005; gnomAD 0.00010.
gnomAD v4.1: 81 of 1,210,139 alleles (0.0067%); highest among the groups gnomAD compares: Non-Finnish European, 0.0089%; no homozygotes.

Submissions (3):

Labcorp Genetics (formerly Invitae), Labcorp
Classification: Uncertain significance for Oculofaciocardiodental syndrome. Last evaluated: 2024-01-05. Review status: criteria provided, single submitter. Criteria: Invitae Variant Classification Sherloc (09022015). Collection method: clinical testing. Allele origin: germline.
Comment: This sequence change replaces alanine, which is neutral and non-polar, with serine, which is neutral and polar, at codon 1228 of the BCOR protein (p.Ala1228Ser). This variant is present in population databases (rs200063877, gnomAD 0.007%). This variant has not been reported in the literature in individuals affected with BCOR-related conditions. ClinVar contains an entry for this variant (Variation ID: 2439493). Advanced modeling of protein sequence and biophysical properties (such as structural, functional, and spatial information, amino acid conservation, physicochemical variation, residue mobility, and thermodynamic stability) performed at Invitae indicates that this missense variant is not expected to disrupt BCOR protein function with a negative predictive value of 80%. In summary, the available evidence is currently insufficient to determine the role of this variant in disease. Therefore, it has been classified as a Variant of Uncertain Significance.

Revvity Omics, Revvity
Classification: Uncertain significance for Oculofaciocardiodental syndrome. Last evaluated: 2020-02-24. Review status: criteria provided, single submitter. Criteria: ACMG Guidelines, 2015. Collection method: clinical testing. Allele origin: germline.

PreventionGenetics, part of Exact Sciences
Classification: Uncertain significance for BCOR-related condition. Last evaluated: 2023-11-01. Review status: no assertion criteria provided. Collection method: clinical testing. Allele origin: germline. Not counted in ClinVar's aggregate classification.
Comment: The BCOR c.3682G>T variant is predicted to result in the amino acid substitution p.Ala1228Ser. To our knowledge, this variant has not been reported in the literature. This variant is reported in 0.0065% of alleles in individuals of European (Non-Finnish) descent in gnomAD. Although we suspect that this variant may be benign, at this time, the clinical significance of this variant is uncertain due to the absence of conclusive functional and genetic evidence.